The following is an entry in ClinVar:

ClinVar aggregate classification (germline): Uncertain significance. Review status: criteria provided, multiple submitters, no conflicts (2 of 4 stars). 3 submissions from 3 submitters: Uncertain significance (3). Last evaluated 2025-04-16.

Conditions:
Endometrial carcinoma. Also called: Endometrial carcinoma, somatic. Identifiers: MedGen C0476089, MONDO:0002447, OMIM 608089, HP:0012114.
Hereditary cancer-predisposing syndrome. Also called: Tumor predisposition; Hereditary neoplastic syndrome; Hereditary Cancer Syndrome; Neoplastic Syndromes, Hereditary. Identifiers: Orphanet 140162, MedGen C0027672, MeSH D009386, MONDO:0015356.

Allele frequency attached by ClinVar (database versions not stated): gnomAD exomes below 0.00001; ExAC 0.00001; TOPMed 0.00002.
gnomAD v4.1: 1 of 1,613,152 alleles (0.000062%); highest among the groups gnomAD compares: Admixed American, 0.0017%; no homozygotes.

Submissions (3):

Ambry Genetics
Classification: Uncertain significance for Hereditary cancer-predisposing syndrome. Last evaluated: 2025-04-16. Review status: criteria provided, single submitter. Criteria: Ambry Variant Classification Scheme 2023. Collection method: clinical testing. Allele origin: germline.
Comment: The p.S182F variant (also known as c.545C>T), located in coding exon 3 of the MSH3 gene, results from a C to T substitution at nucleotide position 545. The serine at codon 182 is replaced by phenylalanine, an amino acid with highly dissimilar properties. This amino acid position is conserved. In addition, this alteration is predicted to be tolerated by in silico analysis. Based on the available evidence, the clinical significance of this variant remains unclear.

Labcorp Genetics (formerly Invitae), Labcorp
Classification: Uncertain significance. Last evaluated: 2025-03-14. Review status: criteria provided, single submitter. Criteria: Invitae Variant Classification Sherloc (09022015). Collection method: clinical testing. Allele origin: germline.
Comment: This sequence change replaces serine, which is neutral and polar, with phenylalanine, which is neutral and non-polar, at codon 182 of the MSH3 protein (p.Ser182Phe). This variant is present in population databases (rs769878887, gnomAD 0.003%). This variant has not been reported in the literature in individuals affected with MSH3-related conditions. ClinVar contains an entry for this variant (Variation ID: 938375). An algorithm developed to predict the effect of missense changes on protein structure and function (PolyPhen-2) suggests that this variant is likely to be tolerated. In summary, the available evidence is currently insufficient to determine the role of this variant in disease. Therefore, it has been classified as a Variant of Uncertain Significance.

Baylor Genetics
Classification: Uncertain significance for Endometrial carcinoma. Last evaluated: 2023-12-05. Review status: criteria provided, single submitter. Criteria: ACMG Guidelines, 2015. Collection method: clinical testing. Allele origin: unknown.

NM_002439.5(MSH3):c.545C>T (p.Ser182Phe)

Gene: MSH3 (mutS homolog 3; plus strand). Cytogenetic location: 5q14.1.
Variant type: single nucleotide variant.
Coding change: c.545C>T on transcript NM_002439.5 (MANE Select); coding-DNA position 545, C replaced by T.
Protein change: p.Ser182Phe; replaces serine 182 with phenylalanine.
Molecular consequence: missense variant.
Genome position (GRCh38, 1-based): chr5:80,665,329, C>T. VCF-style: chr5-80665329-C-T. GRCh37 (hg19) VCF-style: chr5-79961148-C-T.
Other names: c.545C>T (NM_002439.3); short protein forms S182F.
Identifiers: ClinVar variation 938375 (VCV000938375.11), dbSNP rs769878887, ClinGen allele CA3327628.